The following is an entry in ClinVar:

ClinVar aggregate classification (germline): Pathogenic (1 of 4 stars; one submission).

Allele frequency attached by ClinVar (database versions not stated): gnomAD exomes below 0.00001.
gnomAD v4.1: 3 of 1,614,238 alleles (0.00019%); highest among the groups gnomAD compares: Non-Finnish European, 0.00025%; no homozygotes.

Submission:

CeGaT Center for Human Genetics Tuebingen
Classification: Pathogenic. Last evaluated: 2023-04-01. Review status: criteria provided, single submitter. Criteria: CeGaT Center For Human Genetics Tuebingen Variant Classification Criteria Version 2. Collection method: clinical testing. Allele origin: germline. Affected: yes. Observed: 1 variant allele.
Comment: SZT2: PVS1, PM2, PM3:Supporting

NM_001365999.1(SZT2):c.8752C>T (p.Gln2918Ter)

Gene: SZT2 (SZT2 subunit of KICSTOR complex; plus strand). Cytogenetic location: 1p34.2.
Variant type: single nucleotide variant.
Coding change: c.8752C>T on transcript NM_001365999.1 (MANE Select); coding-DNA position 8752, C replaced by T.
Protein change: p.Gln2918Ter; replaces glutamine 2918 with a stop codon.
Molecular consequence: nonsense.
Genome position (GRCh38, 1-based): chr1:43,443,723, C>T. VCF-style: chr1-43443723-C-T. GRCh37 (hg19) VCF-style: chr1-43909394-C-T.
Other names: c.8581C>T, p.Gln2861Ter (NM_015284.4); c.193C>T, p.Gln65Ter (NM_024547.1); short protein forms Q2861*, Q2918*, Q65*.
Identifiers: ClinVar variation 2570723 (VCV002570723.27), dbSNP rs2545857531, ClinGen allele CA340040313.